The following is an entry in ClinVar:

ClinVar aggregate classification (germline): Uncertain significance. Review status: criteria provided, multiple submitters, no conflicts (2 of 4 stars). 2 submissions from 2 submitters: Uncertain significance (2). Last evaluated 2025-04-24.

Submissions (2):

GeneDx
Classification: Uncertain significance. Last evaluated: 2025-04-24. Review status: criteria provided, single submitter. Criteria: GeneDx Variant Classification Process June 2021. Collection method: clinical testing. Allele origin: germline. Affected: yes.
Comment: Not observed at significant frequency in large population cohorts (gnomAD); In silico analysis supports that this missense variant has a deleterious effect on protein structure/function; Has not been previously published as pathogenic or benign to our knowledge

Blueprint Genetics
Classification: Uncertain significance. Last evaluated: 2023-08-22. Review status: criteria provided, single submitter. Criteria: ACMG Guidelines, 2015. Collection method: clinical testing. Allele origin: germline.

NM_001458.5(FLNC):c.3305C>T (p.Pro1102Leu)

Gene: FLNC (filamin C; plus strand). Cytogenetic location: 7q32.1.
Variant type: single nucleotide variant.
Coding change: c.3305C>T on transcript NM_001458.5 (MANE Select); coding-DNA position 3305, C replaced by T.
Protein change: p.Pro1102Leu; replaces proline 1102 with leucine.
Molecular consequence: missense variant.
Genome position (GRCh38, 1-based): chr7:128,844,770, C>T. VCF-style: chr7-128844770-C-T. GRCh37 (hg19) VCF-style: chr7-128484824-C-T.
Other names: c.3305C>T, p.Pro1102Leu (NM_001127487.2); short protein forms P1102L.
Identifiers: ClinVar variation 4527357 (VCV004527357.2).